The following is an entry in ClinVar:

NM_001369369.1(FOXN1):c.553C>T (p.Pro185Ser)

Gene: FOXN1 (forkhead box N1; plus strand). Cytogenetic location: 17q11.2.
Variant type: single nucleotide variant.
Coding change: c.553C>T on transcript NM_001369369.1 (MANE Select); coding-DNA position 553, C replaced by T.
Protein change: p.Pro185Ser; replaces proline 185 with serine.
Molecular consequence: missense variant.
Genome position (GRCh38, 1-based): chr17:28,524,932, C>T. VCF-style: chr17-28524932-C-T. GRCh37 (hg19) VCF-style: chr17-26851950-C-T.
Other names: c.553C>T, p.Pro185Ser (NM_003593.3); short protein forms P185S.
Identifiers: ClinVar variation 2413375 (VCV002413375.3), dbSNP rs1313375033, ClinGen allele CA398322033.

ClinVar aggregate classification (germline): Uncertain significance (1 of 4 stars; one submission).

Conditions:
T-cell immunodeficiency, congenital alopecia, and nail dystrophy. Also called: Congenital alopecia and nail dystrophy associated with severe functional T-cell immunodeficiency; Pignata Guarino syndrome. Identifiers: Orphanet 169095, MedGen C1866426, MONDO:0011132, OMIM 601705.

Allele frequency attached by ClinVar (database versions not stated): gnomAD exomes below 0.00001; gnomAD 0.00001; TOPMed 0.00001.
gnomAD v4.1: 7 of 1,612,212 alleles (0.00043%); highest among the groups gnomAD compares: Non-Finnish European, 0.00059%; no homozygotes.

Submission:

Labcorp Genetics (formerly Invitae), Labcorp
Classification: Uncertain significance for T-cell immunodeficiency, congenital alopecia, and nail dystrophy. Last evaluated: 2025-12-01. Review status: criteria provided, single submitter. Criteria: Invitae Variant Classification Sherloc (09022015). Collection method: clinical testing. Allele origin: germline.
Comment: This sequence change replaces proline, which is neutral and non-polar, with serine, which is neutral and polar, at codon 185 of the FOXN1 protein (p.Pro185Ser). This variant is present in population databases (no rsID available, gnomAD 0.007%). This variant has not been reported in the literature in individuals affected with FOXN1-related conditions. ClinVar contains an entry for this variant (Variation ID: 2413375). Invitae Evidence Modeling of protein sequence and biophysical properties (such as structural, functional, and spatial information, amino acid conservation, physicochemical variation, residue mobility, and thermodynamic stability) indicates that this missense variant is not expected to disrupt FOXN1 protein function with a negative predictive value of 80%. In summary, the available evidence is currently insufficient to determine the role of this variant in disease. Therefore, it has been classified as a Variant of Uncertain Significance.